The following is an entry in ClinVar:

ClinVar aggregate classification (germline): Uncertain significance (0 of 4 stars; one submission).

Conditions:
PLXNA2-related disorder. Also called: PLXNA2-related condition.

gnomAD v4.1: 30 of 1,613,032 alleles (0.0019%); highest among the groups gnomAD compares: East Asian, 0.013%; no homozygotes.

Submission:

PreventionGenetics, part of Exact Sciences
Classification: Uncertain significance for PLXNA2-related condition. Last evaluated: 2023-10-31. Review status: no assertion criteria provided. Collection method: clinical testing. Allele origin: germline.
Comment: The PLXNA2 c.2489G>A variant is predicted to result in the amino acid substitution p.Arg830His. To our knowledge, this variant has not been reported in the literature. This variant is reported in 0.0033% of alleles in individuals of South Asian descent in gnomAD. At this time, the clinical significance of this variant is uncertain.

NM_025179.4(PLXNA2):c.2489G>A (p.Arg830His)

Gene: PLXNA2 (plexin A2; minus strand). Cytogenetic location: 1q32.2.
Variant type: single nucleotide variant.
Coding change: c.2489G>A on transcript NM_025179.4 (MANE Select); coding-DNA position 2489, G replaced by A.
Protein change: p.Arg830His; replaces arginine 830 with histidine.
Molecular consequence: missense variant.
Genome position (GRCh38, 1-based): chr1:208,079,357, C>T on the plus strand (G>A on the coding strand, the complement: PLXNA2 is on the minus strand). VCF-style: chr1-208079357-C-T. GRCh37 (hg19) VCF-style: chr1-208252702-C-T.
Other names: short protein forms R830H.
Identifiers: ClinVar variation 3350779 (VCV003350779.1).
Genomic context (GRCh38, chr1:208,079,357, plus strand): 5'-CTGGACCAGTCGAGCCAGGGGCTGGAAGGGCTGGTACAGTGCTGGTGGAGGGTGCACCTG[C>T]GCTCGCCGCTGCACCAGCCACACTCAAACTTCCGGTCGGCCTTGAGGCAGAGGCCGCAGC-3'
Protein context (NP_079455.3, residues 820-840): KFECGWCSGE[Arg830His]RCTLHQHCTS